The following is an entry in ClinVar:

NM_033198.4(PIGS):c.492C>T (p.Pro164=)

Gene: PIGS (phosphatidylinositol glycan anchor biosynthesis class S; minus strand). Cytogenetic location: 17q11.2.
Variant type: single nucleotide variant.
Coding change: c.492C>T on transcript NM_033198.4 (MANE Select); coding-DNA position 492, C replaced by T.
Protein change: p.Pro164=; no amino-acid change (proline 164 retained).
Molecular consequence: synonymous variant.
Genome position (GRCh38, 1-based): chr17:28,561,606, G>A on the plus strand (C>T on the coding strand, the complement: PIGS is on the minus strand). VCF-style: chr17-28561606-G-A. GRCh37 (hg19) VCF-style: chr17-26888624-G-A.
Other names: p.Pro164=; c.492C>T (NM_033198.3).
Identifiers: ClinVar variation 1335265 (VCV001335265.38), dbSNP rs201299252, ClinGen allele CA8460261.

ClinVar aggregate classification (germline): Likely benign. Review status: criteria provided, multiple submitters, no conflicts (2 of 4 stars). 4 submissions from 4 submitters: Likely benign (3). 1 of the submissions does not count toward it. Last evaluated 2025-05-09.

Conditions:
PIGS-related disorder. Also called: PIGS-related condition.

Allele frequency attached by ClinVar (database versions not stated): ESP Exome Variant Server 0.00015; gnomAD 0.00016; gnomAD exomes 0.00017 and 0.00016; TOPMed 0.00017; ExAC 0.00017.

Submissions (4):

Mayo Clinic Laboratories, Mayo Clinic
Classification: Likely benign. Last evaluated: 2025-05-09. Review status: criteria provided, single submitter. Criteria: ACMG Guidelines, 2015. Collection method: clinical testing. Allele origin: germline. Observed: 1 variant allele.
Comment: BP4, BP7

Blueprint Genetics
Classification: Likely benign. Last evaluated: 2024-11-27. Review status: criteria provided, single submitter. Criteria: ACMG Guidelines, 2015. Collection method: clinical testing. Allele origin: germline.

CeGaT Center for Human Genetics Tuebingen
Classification: Likely benign. Last evaluated: 2022-04-01. Review status: criteria provided, single submitter. Criteria: CeGaT Center For Human Genetics Tuebingen Variant Classification Criteria Version 2. Collection method: clinical testing. Allele origin: germline. Affected: yes. Observed: 2 variant alleles.
Comment: PIGS: BP4, BP7

PreventionGenetics, part of Exact Sciences
Classification: Likely benign for PIGS-related condition. Last evaluated: 2019-03-22. Review status: no assertion criteria provided. Collection method: clinical testing. Allele origin: germline. Not counted in ClinVar's aggregate classification.
Comment: This variant is classified as likely benign based on ACMG/AMP sequence variant interpretation guidelines (Richards et al. 2015 PMID: 25741868, with internal and published modifications).